The following is an entry in ClinVar:

NM_000243.3(MEFV):c.2117C>T (p.Pro706Leu)

Genes: MEFV (MEFV innate immunity regulator, pyrin; minus strand), LOC126862264 (CDK7 strongly-dependent group 2 enhancer GRCh37_chr16:3293322-3294521; plus strand). Cytogenetic location: 16p13.3.
Variant type: single nucleotide variant.
Coding change: c.2117C>T on transcript NM_000243.3 (MANE Select); coding-DNA position 2117, C replaced by T.
Protein change: p.Pro706Leu; replaces proline 706 with leucine.
Molecular consequence: missense variant. On other transcripts: 3 prime UTR variant (1).
Genome position (GRCh38, 1-based): chr16:3,243,370, G>A on the plus strand (C>T on the coding strand, the complement: MEFV is on the minus strand). VCF-style: chr16-3243370-G-A. GRCh37 (hg19) VCF-style: chr16-3293370-G-A.
Other names: c.*321C>T (NM_001198536.2); short protein forms P706L.
Identifiers: ClinVar variation 970490 (VCV000970490.13), dbSNP rs202174893, ClinGen allele CA7859872.

ClinVar aggregate classification (germline): Conflicting classifications of pathogenicity. Review status: criteria provided, conflicting classifications (1 of 4 stars). 7 submissions from 5 submitters: Uncertain significance (4); Likely benign (2). 1 of the submissions does not count toward it. Last evaluated 2023-12-06.

Conditions:
Acute febrile neutrophilic dermatosis (AFND). Also called: Sweet Syndrome; Gomm Button disease. Identifiers: Orphanet 3243, MedGen C0085077, MONDO:0011959, OMIM 608068.
Familial Mediterranean fever (FMF). Also called: POLYSEROSITIS, FAMILIAL PAROXYSMAL; POLYSEROSITIS, RECURRENT; Periodic peritonitis; Benign paroxysmal peritonitis. Identifiers: Orphanet 342, MedGen C0031069, MONDO:0018088, OMIM 249100. Disease mechanism: gain of function.
Familial Mediterranean fever, autosomal dominant. Also called: Dominant Familial Mediterranean Fever; FMF, AUTOSOMAL DOMINANT. Identifiers: Orphanet 342, MedGen C1851347, MONDO:0007601, OMIM 134610.

Allele frequency attached by ClinVar (database versions not stated): gnomAD 0.00004 and 0.00005; TOPMed 0.00004; gnomAD exomes 0.00001; ExAC 0.00004; 1000 Genomes Project 30x 0.00016; 1000 Genomes Project 0.00020.
gnomAD v4.1: 16 of 1,614,122 alleles (0.00099%); highest among the groups gnomAD compares: East Asian, 0.0067%; no homozygotes.

Submissions (7):

GeneDx
Classification: Uncertain significance. Last evaluated: 2023-12-06. Review status: criteria provided, single submitter. Criteria: GeneDx Variant Classification Process June 2021. Collection method: clinical testing. Allele origin: germline. Affected: yes.
Comment: In silico analysis supports that this missense variant has a deleterious effect on protein structure/function; Has not been previously published as pathogenic or benign to our knowledge; This variant is associated with the following publications: (PMID: 19302049)

Genome-Nilou Lab
Classification: Uncertain significance for Familial Mediterranean fever. Last evaluated: 2023-02-08. Review status: criteria provided, single submitter. Criteria: ACMG Guidelines, 2015. Collection method: clinical testing. Allele origin: germline.

Genome-Nilou Lab
Classification: Likely benign for Familial Mediterranean fever, autosomal dominant. Last evaluated: 2023-02-08. Review status: criteria provided, single submitter. Criteria: ACMG Guidelines, 2015. Collection method: clinical testing. Allele origin: germline.

Genome-Nilou Lab
Classification: Likely benign for Acute febrile neutrophilic dermatosis. Last evaluated: 2023-02-08. Review status: criteria provided, single submitter. Criteria: ACMG Guidelines, 2015. Collection method: clinical testing. Allele origin: germline.

Fulgent Genetics
Classification: Uncertain significance for Familial Mediterranean fever, autosomal dominant; Familial Mediterranean fever; Acute febrile neutrophilic dermatosis. Last evaluated: 2021-10-13. Review status: criteria provided, single submitter. Criteria: ACMG Guidelines, 2015. Collection method: clinical testing. Allele origin: unknown.

Labcorp Genetics (formerly Invitae), Labcorp
Classification: Uncertain significance for Familial Mediterranean fever. Last evaluated: 2021-08-30. Review status: criteria provided, single submitter. Criteria: Invitae Variant Classification Sherloc (09022015). Collection method: clinical testing. Allele origin: germline.
Comment: This sequence change replaces proline with leucine at codon 706 of the MEFV protein (p.Pro706Leu). The proline residue is moderately conserved and there is a moderate physicochemical difference between proline and leucine. This variant is present in population databases (rs202174893, ExAC 0.03%). This variant has not been reported in the literature in individuals affected with MEFV-related conditions. Algorithms developed to predict the effect of missense changes on protein structure and function output the following: SIFT: "Tolerated"; PolyPhen-2: "Probably Damaging"; Align-GVGD: "Class C0". The leucine amino acid residue is found in multiple mammalian species, which suggests that this missense change does not adversely affect protein function. In summary, the available evidence is currently insufficient to determine the role of this variant in disease. Therefore, it has been classified as a Variant of Uncertain Significance.

Natera, Inc.
Classification: Uncertain significance for Familial Mediterranean fever. Last evaluated: 2020-11-11. Review status: no assertion criteria provided. Collection method: clinical testing. Allele origin: germline. Not counted in ClinVar's aggregate classification.